The following is an entry in ClinVar:

NM_002480.3(PPP1R12A):c.895T>C (p.Ser299Pro)

Gene: PPP1R12A (protein phosphatase 1 regulatory subunit 12A; minus strand). Cytogenetic location: 12q21.2.
Variant type: single nucleotide variant.
Coding change: c.895T>C on transcript NM_002480.3 (MANE Select); coding-DNA position 895, T replaced by C.
Protein change: p.Ser299Pro; replaces serine 299 with proline.
Molecular consequence: missense variant.
Genome position (GRCh38, 1-based): chr12:79,821,139, A>G on the plus strand (T>C on the coding strand, the complement: PPP1R12A is on the minus strand). VCF-style: chr12-79821139-A-G. GRCh37 (hg19) VCF-style: chr12-80214919-A-G.
Other names: c.895T>C, p.Ser299Pro (NM_001143885.2, NM_001244990.2, NM_001244992.1); c.634T>C, p.Ser212Pro (NM_001143886.2); short protein forms S212P, S299P.
Identifiers: ClinVar variation 5040594 (VCV005040594.1).

ClinVar aggregate classification (germline): Uncertain significance (1 of 4 stars; one submission).

Submission:

CeGaT Center for Human Genetics Tuebingen
Classification: Uncertain significance. Last evaluated: 2026-08-01. Review status: criteria provided, single submitter. Criteria: CeGaT Center For Human Genetics Tuebingen Variant Classification Criteria Version 2. Collection method: clinical testing. Allele origin: germline. Affected: yes. Observed: 1 variant allele.
Comment: PPP1R12A: PM2